The following is an entry in ClinVar:

NM_198578.4(LRRK2):c.3683G>C (p.Ser1228Thr)

Gene: LRRK2 (leucine rich repeat kinase 2; plus strand). Cytogenetic location: 12q12.
Variant type: single nucleotide variant.
Coding change: c.3683G>C on transcript NM_198578.4 (MANE Select); coding-DNA position 3683, G replaced by C.
Protein change: p.Ser1228Thr; replaces serine 1228 with threonine.
Molecular consequence: missense variant.
Genome position (GRCh38, 1-based): chr12:40,304,040, G>C. VCF-style: chr12-40304040-G-C. GRCh37 (hg19) VCF-style: chr12-40697842-G-C.
Other names: short protein forms S1228T.
Identifiers: ClinVar variation 39171 (VCV000039171.35), dbSNP rs60185966, ClinGen allele CA343553.

ClinVar aggregate classification (germline): Conflicting classifications of pathogenicity. Review status: criteria provided, conflicting classifications (1 of 4 stars). 5 submissions from 5 submitters: Uncertain significance (2); Benign (1); Likely benign (1). 1 of the submissions does not count toward it. Last evaluated 2026-01-14.

Conditions:
Autosomal dominant Parkinson disease 8. Also called: LRRK2-Related Parkinson Disease; Parkinson disease 8; Parkinson disease 8, susceptibility to. Identifiers: Orphanet 411602, MedGen C1846862, MONDO:0011764, OMIM 607060.

Allele frequency attached by ClinVar (database versions not stated): ExAC 0.00012; ESP Exome Variant Server 0.00015; gnomAD 0.00017 and 0.00019; TOPMed 0.00019.
gnomAD v4.1: 479 of 1,613,526 alleles (0.03%); highest among the groups gnomAD compares: Non-Finnish European, 0.04%; 1 homozygote.

Submissions (5):

Labcorp Genetics (formerly Invitae), Labcorp
Classification: Uncertain significance for Autosomal dominant Parkinson disease 8. Last evaluated: 2026-01-14. Review status: criteria provided, single submitter. Criteria: Invitae Variant Classification Sherloc (09022015). Collection method: clinical testing. Allele origin: germline.
Comment: This sequence change replaces serine, which is neutral and polar, with threonine, which is neutral and polar, at codon 1228 of the LRRK2 protein (p.Ser1228Thr). This variant is present in population databases (rs60185966, gnomAD 0.03%), and has an allele count higher than expected for a pathogenic variant. This missense change has been observed in individual(s) with Parkinson disease (PMID: 16251215, 18213618, 21885347). It has also been observed to segregate with disease in related individuals. ClinVar contains an entry for this variant (Variation ID: 39171). Invitae Evidence Modeling of protein sequence and biophysical properties (such as structural, functional, and spatial information, amino acid conservation, physicochemical variation, residue mobility, and thermodynamic stability) has been performed for this missense variant. However, the output from this modeling did not meet the statistical confidence thresholds required to predict the impact of this variant on LRRK2 protein function. Experimental studies are conflicting or provide insufficient evidence to determine the effect of this variant on LRRK2 function (PMID: 20642453, 35950872). In summary, the available evidence is currently insufficient to determine the role of this variant in disease. Therefore, it has been classified as a Variant of Uncertain Significance.

Mayo Clinic Laboratories, Mayo Clinic
Classification: Uncertain significance. Last evaluated: 2024-07-30. Review status: criteria provided, single submitter. Criteria: ACMG Guidelines, 2015. Collection method: clinical testing. Allele origin: germline. Observed: 1 variant allele.

Athena Diagnostics
Classification: Benign. Last evaluated: 2024-06-21. Review status: criteria provided, single submitter. Criteria: Athena Diagnostics Criteria. Collection method: clinical testing. Allele origin: unknown.

CeGaT Center for Human Genetics Tuebingen
Classification: Likely benign. Last evaluated: 2022-07-01. Review status: criteria provided, single submitter. Criteria: CeGaT Center For Human Genetics Tuebingen Variant Classification Criteria Version 2. Collection method: clinical testing. Allele origin: germline. Affected: yes. Observed: 1 variant allele.
Comment: LRRK2: BP4, BS1

GeneReviews
No classification provided. Condition: Autosomal dominant Parkinson disease 8. Review status: no classification provided. Collection method: literature only. Allele origin: unknown. Not counted in ClinVar's aggregate classification.

Literature cited by the submitters: PubMed 16251215 (cited by 3 submitters); PubMed 18213618 (cited by Labcorp Genetics (formerly Invitae), Labcorp and Mayo Clinic Laboratories, Mayo Clinic); PubMed 21885347 (cited by 3 submitters); PubMed 20642453 (cited by 3 submitters); PubMed 35950872 (cited by 3 submitters); PubMed 38173558 (cited by Mayo Clinic Laboratories, Mayo Clinic and Athena Diagnostics); PubMed 24488318 (cited by Athena Diagnostics); PubMed 22988870 (cited by Athena Diagnostics); PubMed 38741190 (cited by Athena Diagnostics); PubMed 20301387 (cited by GeneReviews); NCBI Bookshelf NBK1208 (cited by GeneReviews).